The following is an entry in ClinVar:

NM_182746.3(MCM4):c.521T>C (p.Ile174Thr)

Gene: MCM4 (minichromosome maintenance complex component 4; plus strand). Cytogenetic location: 8q11.21.
Variant type: single nucleotide variant.
Coding change: c.521T>C on transcript NM_182746.3 (MANE Select); coding-DNA position 521, T replaced by C.
Protein change: p.Ile174Thr; replaces isoleucine 174 with threonine.
Molecular consequence: missense variant.
Genome position (GRCh38, 1-based): chr8:47,962,783, T>C. VCF-style: chr8-47962783-T-C. GRCh37 (hg19) VCF-style: chr8-48875343-T-C.
Other names: c.521T>C, p.Ile174Thr (NM_005914.4); short protein forms I174T.
Identifiers: ClinVar variation 1504274 (VCV001504274.8), dbSNP rs373948407, ClinGen allele CA176154958.

ClinVar aggregate classification (germline): Uncertain significance (1 of 4 stars; one submission).

Allele frequency attached by ClinVar (database versions not stated): gnomAD exomes below 0.00001; gnomAD 0.00001; TOPMed 0.00001; ESP Exome Variant Server 0.00008.
gnomAD v4.1: 4 of 1,607,152 alleles (0.00025%); highest among the groups gnomAD compares: African/African-American, 0.004%; no homozygotes.

Submission:

Labcorp Genetics (formerly Invitae), Labcorp
Classification: Uncertain significance. Last evaluated: 2021-01-21. Review status: criteria provided, single submitter. Criteria: Invitae Variant Classification Sherloc (09022015). Collection method: clinical testing. Allele origin: germline.
Comment: This sequence change replaces isoleucine with threonine at codon 174 of the MCM4 protein (p.Ile174Thr). The isoleucine residue is moderately conserved and there is a moderate physicochemical difference between isoleucine and threonine. This variant is not present in population databases (ExAC no frequency). This variant has not been reported in the literature in individuals with MCM4-related conditions. Algorithms developed to predict the effect of missense changes on protein structure and function output the following: SIFT: "Tolerated"; PolyPhen-2: "Benign"; Align-GVGD: "Class C0". The threonine amino acid residue is found in multiple mammalian species, suggesting that this missense change does not adversely affect protein function. These predictions have not been confirmed by published functional studies and their clinical significance is uncertain. In summary, the available evidence is currently insufficient to determine the role of this variant in disease. Therefore, it has been classified as a Variant of Uncertain Significance.